The following is an entry in ClinVar:

NM_020928.2(ZSWIM6):c.1220C>G (p.Ala407Gly)

Gene: ZSWIM6 (zinc finger SWIM-type containing 6; plus strand). Cytogenetic location: 5q12.1.
Variant type: single nucleotide variant.
Coding change: c.1220C>G on transcript NM_020928.2 (MANE Select); coding-DNA position 1220, C replaced by G.
Protein change: p.Ala407Gly; replaces alanine 407 with glycine.
Molecular consequence: missense variant.
Genome position (GRCh38, 1-based): chr5:61,494,297, C>G. VCF-style: chr5-61494297-C-G. GRCh37 (hg19) VCF-style: chr5-60790124-C-G.
Other names: short protein forms A407G.
Identifiers: ClinVar variation 3002682 (VCV003002682.3), dbSNP rs1021596845, ClinGen allele CA119659324.

ClinVar aggregate classification (germline): Uncertain significance (1 of 4 stars; one submission).

Allele frequency attached by ClinVar (database versions not stated): TOPMed 0.00001; gnomAD 0.00001.
gnomAD v4.1: 3 of 1,550,868 alleles (0.00019%); highest among the groups gnomAD compares: African/African-American, 0.0041%; no homozygotes.

Submission:

Labcorp Genetics (formerly Invitae), Labcorp
Classification: Uncertain significance. Last evaluated: 2025-09-16. Review status: criteria provided, single submitter. Criteria: Invitae Variant Classification Sherloc (09022015). Collection method: clinical testing. Allele origin: germline.
Comment: This sequence change replaces alanine, which is neutral and non-polar, with glycine, which is neutral and non-polar, at codon 407 of the ZSWIM6 protein (p.Ala407Gly). This variant is present in population databases (no rsID available, gnomAD 0.01%). This variant has not been reported in the literature in individuals affected with ZSWIM6-related conditions. ClinVar contains an entry for this variant (Variation ID: 3002682). Invitae Evidence Modeling of protein sequence and biophysical properties (such as structural, functional, and spatial information, amino acid conservation, physicochemical variation, residue mobility, and thermodynamic stability) indicates that this missense variant is not expected to disrupt ZSWIM6 protein function with a negative predictive value of 80%. In summary, the available evidence is currently insufficient to determine the role of this variant in disease. Therefore, it has been classified as a Variant of Uncertain Significance.